The following is an entry in ClinVar:

ClinVar aggregate classification (germline): Likely benign (1 of 4 stars; one submission).

gnomAD v4.1: 44 of 1,614,028 alleles (0.0027%); highest among the groups gnomAD compares: Non-Finnish European, 0.0037%; no homozygotes.

Submission:

CeGaT Center for Human Genetics Tuebingen
Classification: Likely benign. Last evaluated: 2024-07-01. Review status: criteria provided, single submitter. Criteria: CeGaT Center For Human Genetics Tuebingen Variant Classification Criteria Version 2. Collection method: clinical testing. Allele origin: germline. Affected: yes. Observed: 1 variant allele.
Comment: PER2: BP4, BP7

NM_022817.3(PER2):c.3534G>A (p.Arg1178=)

Gene: PER2 (period circadian regulator 2; minus strand). Cytogenetic location: 2q37.3.
Variant type: single nucleotide variant.
Coding change: c.3534G>A on transcript NM_022817.3 (MANE Select); coding-DNA position 3534, G replaced by A.
Protein change: p.Arg1178=; no amino-acid change (arginine 1178 retained).
Molecular consequence: synonymous variant.
Genome position (GRCh38, 1-based): chr2:238,249,146, C>T on the plus strand (G>A on the coding strand, the complement: PER2 is on the minus strand). VCF-style: chr2-238249146-C-T. GRCh37 (hg19) VCF-style: chr2-239157787-C-T.
Identifiers: ClinVar variation 3257274 (VCV003257274.17).
Genomic context (GRCh38, chr2:238,249,146, plus strand): 5'-GCCGCCCGTCTGCATCCACTGGTGGACCTCGCGCAGCTCCTGCTTCTGACTCTCCGTGAA[C>T]CTGGGCTGGAGTTTCTGTAGGAGCTTCAGCTTCTCTCTGTCCTCCTTCAAAACCGCTTCT-3'
Protein context (NP_073728.1, residues 1168-1188): KLKLLQKLQP[Arg1178=]FTESQKQELR